The following is an entry in ClinVar:

NM_001845.6(COL4A1):c.3655G>T (p.Gly1219Ter)

Gene: COL4A1 (collagen type IV alpha 1 chain; minus strand). Cytogenetic location: 13q34.
Variant type: single nucleotide variant.
Coding change: c.3655G>T on transcript NM_001845.6 (MANE Select); coding-DNA position 3655, G replaced by T.
Protein change: p.Gly1219Ter; replaces glycine 1219 with a stop codon.
Molecular consequence: nonsense.
Genome position (GRCh38, 1-based): chr13:110,170,634, C>A on the plus strand (G>T on the coding strand, the complement: COL4A1 is on the minus strand). VCF-style: chr13-110170634-C-A. GRCh37 (hg19) VCF-style: chr13-110822981-C-A.
Other names: short protein forms G1219*.
Identifiers: ClinVar variation 1443955 (VCV001443955.6), dbSNP rs2139156141, ClinGen allele CA388662537.

ClinVar aggregate classification (germline): Pathogenic (1 of 4 stars; one submission).

Submission:

Labcorp Genetics (formerly Invitae), Labcorp
Classification: Pathogenic. Last evaluated: 2020-11-10. Review status: criteria provided, single submitter. Criteria: Invitae Variant Classification Sherloc (09022015). Collection method: clinical testing. Allele origin: germline.
Comment: This variant has not been reported in the literature in individuals with COL4A1-related conditions. This variant is not present in population databases (ExAC no frequency). This sequence change creates a premature translational stop signal (p.Gly1219*) in the COL4A1 gene. It is expected to result in an absent or disrupted protein product. Loss-of-function variants in COL4A1 are known to be pathogenic (PMID: 23225343). For these reasons, this variant has been classified as Pathogenic.

Literature cited by the submitters: PubMed 23225343.